The following is an entry in ClinVar:

NM_000095.3(COMP):c.850G>A (p.Glu284Lys)

Gene: COMP (cartilage oligomeric matrix protein; minus strand). Cytogenetic location: 19p13.11.
Variant type: single nucleotide variant.
Coding change: c.850G>A on transcript NM_000095.3 (MANE Select); coding-DNA position 850, G replaced by A.
Protein change: p.Glu284Lys; replaces glutamic acid 284 with lysine.
Molecular consequence: missense variant.
Genome position (GRCh38, 1-based): chr19:18,788,427, C>T on the plus strand (G>A on the coding strand, the complement: COMP is on the minus strand). VCF-style: chr19-18788427-C-T. GRCh37 (hg19) VCF-style: chr19-18899236-C-T.
Other names: short protein forms E284K.
Identifiers: ClinVar variation 889556 (VCV000889556.8), dbSNP rs145895692, ClinGen allele CA9316620.

ClinVar aggregate classification (germline): Uncertain significance. Review status: criteria provided, multiple submitters, no conflicts (2 of 4 stars). 3 submissions from 2 submitters: Uncertain significance (3). Last evaluated 2023-06-14.

Conditions:
Multiple epiphyseal dysplasia type 1. Also called: COMP-Related Multiple Epiphyseal Dysplasia. Identifiers: Orphanet 93308, MedGen C1838280, MONDO:0007561, OMIM 132400.
Pseudoachondroplastic spondyloepiphyseal dysplasia syndrome (PSACH). Also called: PSEUDOACHONDROPLASTIC DYSPLASIA; Pseudoachondroplasia; COMP-Related Pseudoachondroplasia. Identifiers: Orphanet 750, MedGen C0410538, MONDO:0008322, OMIM 177170.

Allele frequency attached by ClinVar (database versions not stated): gnomAD exomes 0.00002 and 0.00001; TOPMed 0.00002; ESP Exome Variant Server 0.00015; ExAC 0.00001; gnomAD 0.00001.
gnomAD v4.1: 26 of 1,607,070 alleles (0.0016%); highest among the groups gnomAD compares: Middle Eastern, 0.017%; no homozygotes.

Submissions (3):

Labcorp Genetics (formerly Invitae), Labcorp
Classification: Uncertain significance. Last evaluated: 2023-06-14. Review status: criteria provided, single submitter. Criteria: Invitae Variant Classification Sherloc (09022015). Collection method: clinical testing. Allele origin: germline.
Comment: This variant has not been reported in the literature in individuals affected with COMP-related conditions. This variant is present in population databases (rs145895692, gnomAD 0.008%). This sequence change replaces glutamic acid, which is acidic and polar, with lysine, which is basic and polar, at codon 284 of the COMP protein (p.Glu284Lys). In summary, the available evidence is currently insufficient to determine the role of this variant in disease. Therefore, it has been classified as a Variant of Uncertain Significance. Advanced modeling of protein sequence and biophysical properties (such as structural, functional, and spatial information, amino acid conservation, physicochemical variation, residue mobility, and thermodynamic stability) performed at Invitae indicates that this missense variant is not expected to disrupt COMP protein function. ClinVar contains an entry for this variant (Variation ID: 889556).

Illumina Laboratory Services, Illumina
Classification: Uncertain significance for Pseudoachondroplastic spondyloepiphyseal dysplasia syndrome. Last evaluated: 2018-01-15. Review status: criteria provided, single submitter. Criteria: ICSL Variant Classification Criteria 13 December 2019. Collection method: clinical testing. Allele origin: germline.

Illumina Laboratory Services, Illumina
Classification: Uncertain significance for Multiple epiphyseal dysplasia type 1. Last evaluated: 2018-01-15. Review status: criteria provided, single submitter. Criteria: ICSL Variant Classification Criteria 13 December 2019. Collection method: clinical testing. Allele origin: germline.